The following is an entry in ClinVar:

GRCh37/hg19 15q13.1(chr15:29885962-30214102)x3

Gene: TJP1 (tight junction protein 1; minus strand). Cytogenetic location: 15q13.1.
Variant type: copy number gain.
Change: copy number 3 (three copies instead of two) of chr15:29,885,962-30,214,102 (328.1 kb, GRCh37 coordinates, 1-based), cytogenetic band 15q13.1.
Identifiers: ClinVar variation 4850972 (VCV004850972.1).

ClinVar aggregate classification (germline): Uncertain significance (1 of 4 stars; one submission).

Conditions:
15q11q13 microduplication syndrome. Also called: DUPLICATION 15q11-q13 SYNDROME; Chromosome 15q11-q13 duplication syndrome; 15q11.2-q13.1 Duplication Syndrome; Maternal 15q Duplication Syndrome. Identifiers: Orphanet 238446, MedGen C2675336, MONDO:0012081, OMIM 608636.

Submission:

Laboratory of Cytogenetics, Molecular Genetics and Reproductive Biology, Farhat Hached University Hospital
Classification: Uncertain significance for 15q11q13 microduplication syndrome. Last evaluated: 2025-12-12. Review status: criteria provided, single submitter. Criteria: ACMG/ClinGen CNV Guidelines, 2019. Collection method: clinical testing. Allele origin: de novo. Inheritance: Autosomal dominant inheritance. Affected: yes.
Comment: Current evidence is insufficient to determine its clinical significance; therefore, the variant was classified as a Variant of Uncertain Significance (VUS). The copy number variant was evaluated using ACMG/ClinGen CNV guidelines (PMID:31690835)